The following is an entry in ClinVar:

NM_003242.6(TGFBR2):c.215G>A (p.Ser72Asn)

Gene: TGFBR2 (transforming growth factor beta receptor 2; plus strand). Cytogenetic location: 3p24.1.
Variant type: single nucleotide variant.
Coding change: c.215G>A on transcript NM_003242.6 (MANE Select); coding-DNA position 215, G replaced by A.
Protein change: p.Ser72Asn; replaces serine 72 with asparagine.
Molecular consequence: missense variant.
Genome position (GRCh38, 1-based): chr3:30,644,867, G>A. VCF-style: chr3-30644867-G-A. GRCh37 (hg19) VCF-style: chr3-30686359-G-A.
Other names: c.290G>A, p.Ser97Asn (NM_001024847.3, NM_001407139.1, NM_001407126.1); c.215G>A, p.Ser72Asn (NM_001407127.1, NM_001407130.1); c.242G>A, p.Ser81Asn (NM_001407128.1); c.110G>A, p.Ser37Asn (NM_001407129.1, NM_001407132.1, NM_001407133.1 and 3 more transcripts); short protein forms S72N, S97N, S37N, S81N.
Identifiers: ClinVar variation 408442 (VCV000408442.12), dbSNP rs764941621, ClinGen allele CA16611209.

ClinVar aggregate classification (germline): Conflicting classifications of pathogenicity. Review status: criteria provided, conflicting classifications (1 of 4 stars). 7 submissions from 7 submitters: Uncertain significance (4); Uncertain risk allele (1); Likely benign (2). Last evaluated 2025-08-11.

Conditions:
Loeys-Dietz syndrome 2 (LDS2). Also called: TGFBR2-Related Loeys-Dietz Syndrome; Marfan syndrome, type 2 (formerly); AORTIC ANEURYSM, FAMILIAL THORACIC 3; MARFAN SYNDROME, TYPE II; Marfan Syndrome type 2; Marfan like connective tissue disorder. Identifiers: Orphanet 284973, Orphanet 558, MedGen C2674574, MONDO:0012427, OMIM 610168.
Malignant tumor of esophagus. Also called: Esophageal cancer; Esophageal cancer, somatic. Identifiers: Orphanet 99977, MedGen C0546837, MONDO:0007576, OMIM 133239.
Colorectal cancer, hereditary nonpolyposis, type 6. Also called: Colon cancer, hereditary nonpolyposis, type 6; Colon cancer, hereditary nonpolyposis, type 6, somatic. Identifiers: Orphanet 144, MedGen C1860896, MONDO:0013695, OMIM 614331.
Familial thoracic aortic aneurysm and aortic dissection (TAAD). Also called: Thoracic aortic aneurysms and dissections. Identifiers: Orphanet 91387, MedGen C4707243, MONDO:0019625.
Diabetic retinopathy. Identifiers: MedGen C0011884, MONDO:0005266.

Allele frequency attached by ClinVar (database versions not stated): TOPMed below 0.00001; gnomAD exomes 0.00001.
gnomAD v4.1: 16 of 1,614,176 alleles (0.00099%); highest among the groups gnomAD compares: Non-Finnish European, 0.0013%; no homozygotes.

Submissions (7):

Color Diagnostics, LLC DBA Color Health
Classification: Likely benign for Familial thoracic aortic aneurysm and aortic dissection. Last evaluated: 2025-08-11. Review status: criteria provided, single submitter. Criteria: ACMG Guidelines, 2015. Collection method: clinical testing. Allele origin: germline.

Labcorp Genetics (formerly Invitae), Labcorp
Classification: Uncertain significance for Familial thoracic aortic aneurysm and aortic dissection. Last evaluated: 2025-02-10. Review status: criteria provided, single submitter. Criteria: Invitae Variant Classification Sherloc (09022015). Collection method: clinical testing. Allele origin: germline.
Comment: This sequence change replaces serine, which is neutral and polar, with asparagine, which is neutral and polar, at codon 72 of the TGFBR2 protein (p.Ser72Asn). This variant is not present in population databases (gnomAD no frequency). This variant has not been reported in the literature in individuals affected with TGFBR2-related conditions. ClinVar contains an entry for this variant (Variation ID: 408442). Invitae Evidence Modeling of protein sequence and biophysical properties (such as structural, functional, and spatial information, amino acid conservation, physicochemical variation, residue mobility, and thermodynamic stability) indicates that this missense variant is not expected to disrupt TGFBR2 protein function with a negative predictive value of 95%. In summary, the available evidence is currently insufficient to determine the role of this variant in disease. Therefore, it has been classified as a Variant of Uncertain Significance.

All of Us Research Program, National Institutes of Health
Classification: Uncertain significance for Loeys-Dietz syndrome 2. Last evaluated: 2024-05-09. Review status: criteria provided, single submitter. Criteria: ACMG Guidelines, 2015. Collection method: clinical testing. Allele origin: germline. Inheritance: Autosomal dominant inheritance. Observed: 3 variant alleles, 3 heterozygotes.
Comment: This missense variant replaces serine with asparagine at codon 72 of the TGFBR2 protein. Computational prediction suggests that this variant may not impact protein structure and function (internally defined REVEL score threshold <= 0.5, PMID: 27666373). To our knowledge, functional studies have not been reported for this variant. This variant has not been reported in individuals affected with TGFBR2-related disorders in the literature. This variant has not been identified in the general population by the Genome Aggregation Database (gnomAD). The available evidence is insufficient to determine the role of this variant in disease conclusively. Therefore, this variant is classified as a Variant of Uncertain Significance.

This study involves interpretation of variants in research participants for the purpose of population health screening. Participant phenotype was not available at the time of variant classification. Additional details can be found in publication PMID: 35346344, PMCID: PMC8962531

Women's Health and Genetics/Laboratory Corporation of America, LabCorp
Classification: Likely benign. Last evaluated: 2023-12-19. Review status: criteria provided, single submitter. Criteria: LabCorp Variant Classification Summary - May 2015. Collection method: clinical testing. Allele origin: germline.
Comment: Variant summary: TGFBR2 c.215G>A (p.Ser72Asn) results in a conservative amino acid change located in the ectodomain (IPR015013) of the encoded protein sequence. Four of five in-silico tools predict a benign effect of the variant on protein function. The variant allele was found at a frequency of 1.1e-05 in 1456070 control chromosomes (gnomAD database, v4.0 dataset). The observed variant frequency is approximately 8-fold of the estimated maximal expected allele frequency for a pathogenic variant in TGFBR2 causing Aortopathy phenotype (1.3e-06), suggesting that the variant is benign. To our knowledge, no occurrence of c.215G>A in individuals affected with Aortopathy and no experimental evidence demonstrating its impact on protein function have been reported. Three submitters have cited clinical-significance assessments for this variant to ClinVar after 2014. All submitters classified the variant as uncertain significance. Based on the evidence outlined above, the variant was classified as likely benign.

Fulgent Genetics
Classification: Uncertain significance for Malignant tumor of esophagus; Loeys-Dietz syndrome 2; Colorectal cancer, hereditary nonpolyposis, type 6. Last evaluated: 2021-12-06. Review status: criteria provided, single submitter. Criteria: ACMG Guidelines, 2015. Collection method: clinical testing. Allele origin: unknown.

Ambry Genetics
Classification: Uncertain significance for Familial thoracic aortic aneurysm and aortic dissection. Last evaluated: 2016-08-15. Review status: criteria provided, single submitter. Criteria: Ambry Variant Classification Scheme 2023. Collection method: clinical testing. Allele origin: germline.
Comment: The p.S72N variant (also known as c.215G>A), located in coding exon 2 of the TGFBR2 gene, results from a G to A substitution at nucleotide position 215. The serine at codon 72 is replaced by asparagine, an amino acid with highly similar properties, and is located in the cysteine-rich EC domain . This variant was not reported in population based cohorts in the following databases: Database of Single Nucleotide Polymorphisms (dbSNP), NHLBI Exome Sequencing Project (ESP), and 1000 Genomes Project. In the ESP, this variant was not observed in 6503 samples (13006 alleles) with coverage at this position. This amino acid position is well conserved in available vertebrate species; however, asparagine is the reference amino acid in other vertebrate species. In addition, this alteration is predicted to be tolerated by in silico analysis. Since supporting evidence is limited at this time, the clinical significance of this alteration remains unclear.

Clinical Genomics, Uppaluri K&H Personalized Medicine Clinic
Classification: Uncertain risk allele for Diabetic retinopathy. Review status: criteria provided, single submitter. Criteria: K And H Uppaluri Personalized Medicine Clinic Variant Classification And Assertion Criteria Updated V 2. Collection method: research. Allele origin: unknown.
Comment: Potent mutations in TGFBR2 gene encodes the transforming growth factor that have been associated with angiogenesis and diabetic retinopathy. More clinical studies are needed for stronger association. However, more evidence is required to confer the association of this particular variant rs764941621 with diabetic retinopathy.

Literature cited by the submitters: PubMed 30222965 (cited by Clinical Genomics, Uppaluri K&H Personalized Medicine Clinic); PubMed 28162229 (cited by Clinical Genomics, Uppaluri K&H Personalized Medicine Clinic); PubMed 34572573 (cited by Clinical Genomics, Uppaluri K&H Personalized Medicine Clinic).